The following is an entry in ClinVar:

ClinVar aggregate classification (germline): Uncertain significance. Review status: criteria provided, multiple submitters, no conflicts (2 of 4 stars). 2 submissions from 2 submitters: Uncertain significance (2). Last evaluated 2022-12-05.

Allele frequency attached by ClinVar (database versions not stated): gnomAD 0.00001; ExAC 0.00002; TOPMed 0.00002; ESP Exome Variant Server 0.00008.
gnomAD v4.1: 9 of 1,612,904 alleles (0.00056%); highest among the groups gnomAD compares: East Asian, 0.0067%; no homozygotes.

Submissions (2):

Blueprint Genetics
Classification: Uncertain significance. Last evaluated: 2022-12-05. Review status: criteria provided, single submitter. Criteria: ACMG Guidelines, 2015. Collection method: clinical testing. Allele origin: germline.

Labcorp Genetics (formerly Invitae), Labcorp
Classification: Uncertain significance. Last evaluated: 2022-07-06. Review status: criteria provided, single submitter. Criteria: Invitae Variant Classification Sherloc (09022015). Collection method: clinical testing. Allele origin: germline.
Comment: This sequence change replaces serine, which is neutral and polar, with leucine, which is neutral and non-polar, at codon 2788 of the HSPG2 protein (p.Ser2788Leu). This variant is present in population databases (rs148420720, gnomAD 0.007%). This variant has not been reported in the literature in individuals affected with HSPG2-related conditions. Algorithms developed to predict the effect of missense changes on protein structure and function are either unavailable or do not agree on the potential impact of this missense change (SIFT: "Tolerated"; PolyPhen-2: "Probably Damaging"; Align-GVGD: "Class C0"). In summary, the available evidence is currently insufficient to determine the role of this variant in disease. Therefore, it has been classified as a Variant of Uncertain Significance.

NM_005529.7(HSPG2):c.8363C>T (p.Ser2788Leu)

Gene: HSPG2 (heparan sulfate proteoglycan 2; minus strand). Cytogenetic location: 1p36.12.
Variant type: single nucleotide variant.
Coding change: c.8363C>T on transcript NM_005529.7 (MANE Select); coding-DNA position 8363, C replaced by T.
Protein change: p.Ser2788Leu; replaces serine 2788 with leucine.
Molecular consequence: missense variant.
Genome position (GRCh38, 1-based): chr1:21,846,209, G>A on the plus strand (C>T on the coding strand, the complement: HSPG2 is on the minus strand). VCF-style: chr1-21846209-G-A. GRCh37 (hg19) VCF-style: chr1-22172702-G-A.
Other names: c.8366C>T, p.Ser2789Leu (NM_001291860.2); short protein forms S2789L, S2788L.
Identifiers: ClinVar variation 1933081 (VCV001933081.3), dbSNP rs148420720, ClinGen allele CA670802.
Genomic context (GRCh38, chr1:21,846,209, plus strand): 5'-ACCAGGACTGAGGCCTCCAGGGGGCCAGAGCTGCCCATCACCCGGCACACGTATTCACCC[G>A]AGTCGGCCGGGGACACATGGTGCAGCCGCAGCCGTGAGCCGCGGGTCTGAATAGGGGACA-3'
Protein context (NP_005520.4, residues 2778-2798): LRLHHVSPAD[Ser2788Leu]GEYVCRVMGS